The following is an entry in ClinVar:

ClinVar aggregate classification (germline): Uncertain significance. Review status: criteria provided, multiple submitters, no conflicts (2 of 4 stars). 2 submissions from 2 submitters: Uncertain significance (2). Last evaluated 2025-10-17.

gnomAD v4.1: 47 of 1,359,812 alleles (0.0035%); highest among the groups gnomAD compares: African/African-American, 0.065%; no homozygotes.

Submissions (2):

Dasa
Classification: Uncertain significance. Last evaluated: 2025-10-17. Review status: criteria provided, single submitter. Criteria: DASA Assertion Criteria. Collection method: clinical testing. Allele origin: germline.
Comment: NM_001367871.1(FBRSL1):c.2475G>T (p.Glu825Asp) is a missense variant that results in the substitution of glutamic acid with aspartic acid. This variant is rare in population databases. Computational prediction algorithms are consistent with a benign effect. The currently available literature and clinical evidence are not sufficient to establish a definitive association between this variant and the reported condition. Therefore, this variant is classified as a variant of uncertain significance.

Ambry Genetics
Classification: Uncertain significance. Last evaluated: 2024-05-15. Review status: criteria provided, single submitter. Criteria: Ambry Variant Classification Scheme 2023. Collection method: clinical testing. Allele origin: germline.

NM_001367871.1(FBRSL1):c.2475G>T (p.Glu825Asp)

Gene: FBRSL1 (fibrosin like 1; plus strand). Cytogenetic location: 12q24.33.
Variant type: single nucleotide variant.
Coding change: c.2475G>T on transcript NM_001367871.1 (MANE Select); coding-DNA position 2475, G replaced by T.
Protein change: p.Glu825Asp; replaces glutamic acid 825 with aspartic acid.
Molecular consequence: missense variant.
Genome position (GRCh38, 1-based): chr12:132,583,244, G>T. VCF-style: chr12-132583244-G-T. GRCh37 (hg19) VCF-style: chr12-133159830-G-T.
Other names: c.2604G>T, p.Glu868Asp (NM_001142641.2); c.2529G>T, p.Glu843Asp (NM_001382739.1); c.1854G>T, p.Glu618Asp (NM_001382740.1); short protein forms E618D, E843D, E825D, E868D.
Identifiers: ClinVar variation 3278019 (VCV003278019.3).